The following is an entry in ClinVar:

ClinVar aggregate classification (germline): Conflicting classifications of pathogenicity. Review status: criteria provided, conflicting classifications (1 of 4 stars). 3 submissions from 3 submitters: Uncertain significance (2); Benign (1). Last evaluated 2025-08-22.

Conditions:
POLG-related disorder. Also called: POLG-Related Spectrum Disorders; POLG-related condition; POLG-Related Disorders. Identifiers: MedGen C4763519.
Progressive sclerosing poliodystrophy (MTDPS4A). Also called: Mitochondrial DNA Depletion Syndrome 4A; ALPERS PROGRESSIVE INFANTILE POLIODYSTROPHY; Alpers Syndrome; NEURONAL DEGENERATION OF CHILDHOOD WITH LIVER DISEASE, PROGRESSIVE; Alpers-Huttenlocher Syndrome (AHS); ALPERS DIFFUSE DEGENERATION OF CEREBRAL GRAY MATTER WITH HEPATIC CIRRHOSIS. Identifiers: Orphanet 726, MedGen C0205710, MONDO:0008758, OMIM 203700.

Submissions (3):

Myriad Genetics, Inc.
Classification: Uncertain significance for POLG-related disorder. Last evaluated: 2025-08-22. Review status: criteria provided, single submitter. Criteria: Myriad Autosomal Dominant, Autosomal Recessive and X-Linked Classification Criteria (2023). Collection method: clinical testing. Allele origin: unknown.
Comment: NM_002693.2(POLG):c.129_158del30(Q46_Q55del) is an in-frame deletion classified as a variant of uncertain significance in the context of POLG-related disorders. Q46_Q55del has not been observed in cases with relevant disease. Relevant functional assessments of this variant are not available in the literature. Q46_Q55del has not been observed in referenced population frequency databases. In summary, there is insufficient evidence to classify NM_002693.2(POLG):c.129_158del30(Q46_Q55del) as pathogenic or benign. Please note: this variant was assessed in the context of healthy population screening.

Labcorp Genetics (formerly Invitae), Labcorp
Classification: Uncertain significance for Progressive sclerosing poliodystrophy. Last evaluated: 2024-08-28. Review status: criteria provided, single submitter. Criteria: Invitae Variant Classification Sherloc (09022015). Collection method: clinical testing. Allele origin: germline.
Comment: This variant, c.129_158del, results in the deletion of 10 amino acid(s) of the POLG protein (p.Gln46_Gln55del), but otherwise preserves the integrity of the reading frame. This variant is not present in population databases (gnomAD no frequency). This variant has not been reported in the literature in individuals affected with POLG-related conditions. ClinVar contains an entry for this variant (Variation ID: 619491). Experimental studies and prediction algorithms are not available or were not evaluated, and the functional significance of this variant is currently unknown. In summary, the available evidence is currently insufficient to determine the role of this variant in disease. Therefore, it has been classified as a Variant of Uncertain Significance.

Wong Mito Lab, Molecular and Human Genetics, Baylor College of Medicine
Classification: Benign for Progressive sclerosing poliodystrophy. Last evaluated: 2018-10-01. Review status: criteria provided, single submitter. Criteria: ACMG Guidelines, 2015. Collection method: clinical testing. Allele origin: germline.
Comment: The NM_002693.2:c.129_158del (NP_002684.1:p.Gln44_Gln53del) [GRCH38: NC_000015.10:g.89333600_89333629del] variant in POLG gene is interpretated to be a Benign based on ACMG guidelines (PMID: 25741868). This variant meets the following evidence codes reported in the ACMG-guideline. BS1:The minor allele frequency of this allele is high for Mitochondrial DNA depletion syndrome 4A (Alpers type). BS2:Observation of the variant in controls is inconsistent with penetrance of Mitochondrial DNA depletion syndrome 4A (Alpers type). BP3:This variant results in inframe indel in repeats without known function. BP4:Computational evidence/predictors indicate no impact on the POLG structure, function, or protein-protein interaction. Based on the evidence criteria codes applied, the variant is suggested to be Benign.

NM_002693.3(POLG):c.126GCA[1] (p.Gln46_Gln55del)

Genes: POLG (DNA polymerase gamma, catalytic subunit; minus strand), POLGARF (POLG alternative reading frame; minus strand). Cytogenetic location: 15q26.1.
Variant type: Microsatellite.
Coding change: c.126GCA[1] on transcript NM_002693.3 (MANE Select); one copy of the 3-base unit GCA starting at c.126; the reference has 11 copies in a row; ten copies, 30 bases deleted; also written c.129_158del.
Protein change: p.Gln46_Gln55del.
Molecular consequence: inframe deletion.
Genome position (GRCh38, 1-based): chr15:89,333,597-89,333,626, TGCTGCTGCTGCTGCTGCTGCTGCTGCTGC deleted on the plus strand (GCAGCAGCAGCAGCAGCAGCAGCAGCAGCA on the coding strand, the reverse complement: POLG is on the minus strand); deleting any 30 consecutive bases within chr15:89,333,597-89,333,629 gives the same sequence; the position shown is the placement nearest the transcript's 3' end. VCF-style (leftmost placement, unchanged base first): chr15-89333596-TTGCTGCTGCTGCTGCTGCTGCTGCTGCTGC-T. GRCh37 (hg19) VCF-style: chr15-89876827-TTGCTGCTGCTGCTGCTGCTGCTGCTGCTGC-T.
Other names: c.126GCA[1], p.Gln46_Gln55del (NM_001126131.2); c.129_158del (NM_002693.2).
Identifiers: ClinVar variation 619491 (VCV000619491.12), dbSNP rs41550117, ClinGen allele CA10602186.
Genomic context (GRCh38, chr15:89,333,596, plus strand): 5'-TGGGTTGTGCCGCAGCTGCCCGCCCTCCGAGGATAGCACTTGCGGCTGCTGAGGCTGCTG[TTGCTGCTGCTGCTGCTGCTGCTGCTGCTGC>T]TGCCGCCGCCGCTGCCCGTCGCTGGGGTCGGACGCGGGGACGGAGCTGGAGACCCAGCGC-3'